The following is an entry in ClinVar:

NM_000548.5(TSC2):c.4620C>G (p.Tyr1540Ter)

Gene: TSC2 (TSC complex subunit 2; plus strand). Cytogenetic location: 16p13.3.
Variant type: single nucleotide variant.
Coding change: c.4620C>G on transcript NM_000548.5 (MANE Select); coding-DNA position 4620, C replaced by G.
Protein change: p.Tyr1540Ter; replaces tyrosine 1540 with a stop codon.
Molecular consequence: nonsense.
Genome position (GRCh38, 1-based): chr16:2,085,280, C>G. VCF-style: chr16-2085280-C-G. GRCh37 (hg19) VCF-style: chr16-2135281-C-G.
Other names: c.4419C>G, p.Tyr1473Ter (NM_001077183.3); c.4551C>G, p.Tyr1517Ter (NM_001114382.3); c.4311C>G, p.Tyr1437Ter (NM_001318827.2); c.4275C>G, p.Tyr1425Ter (NM_001318829.2); c.3888C>G, p.Tyr1296Ter (NM_001318831.2); c.4452C>G, p.Tyr1484Ter (NM_001318832.2); c.4422C>G, p.Tyr1474Ter (NM_001363528.2); c.4488C>G, p.Tyr1496Ter (NM_001370404.1); and 2 more; short protein forms Y1540*, Y1474*, Y1497*, Y1425*, Y1437*, Y1484*, Y1296*, Y1496*.
Identifiers: ClinVar variation 49849 (VCV000049849.12), dbSNP rs45455897, ClinGen allele CA020771.

ClinVar aggregate classification (germline): Pathogenic. Review status: criteria provided, multiple submitters, no conflicts (2 of 4 stars). 4 submissions from 4 submitters: Pathogenic (2). 2 of the submissions do not count toward it. Last evaluated 2026-01-04.

Conditions:
TSC2-related disorder. Also called: TSC2-related condition; TSC2-Related Disorders.
Tuberous sclerosis syndrome (TSC). Also called: Tuberous Sclerosis Complex; Tuberous sclerosis. Identifiers: Orphanet 805, MedGen C0041341, MONDO:0001734.
Tuberous sclerosis 2 (TSC2). Identifiers: Orphanet 805, MedGen C1860707, MONDO:0013199, OMIM 613254.

Submissions (4):

Labcorp Genetics (formerly Invitae), Labcorp
Classification: Pathogenic for Tuberous sclerosis 2. Last evaluated: 2026-01-04. Review status: criteria provided, single submitter. Criteria: Invitae Variant Classification Sherloc (09022015). Collection method: clinical testing. Allele origin: germline.
Comment: This sequence change creates a premature translational stop signal (p.Tyr1540*) in the TSC2 gene. It is expected to result in an absent or disrupted protein product. Loss-of-function variants in TSC2 are known to be pathogenic (PMID: 10205261, 17304050). This variant is not present in population databases (gnomAD no frequency). This premature translational stop signal has been observed in individual(s) with tuberous sclerosis (PMID: 20633017, 24271014). ClinVar contains an entry for this variant (Variation ID: 49849). Algorithms developed to predict the effect of sequence changes on RNA splicing suggest that this variant may disrupt the consensus splice site. For these reasons, this variant has been classified as Pathogenic.

GeneDx
Classification: Pathogenic. Last evaluated: 2025-07-02. Review status: criteria provided, single submitter. Criteria: GeneDx Variant Classification Process June 2021. Collection method: clinical testing. Allele origin: germline. Affected: yes.
Comment: Nonsense variant predicted to result in protein truncation or nonsense mediated decay in a gene for which loss of function is a known mechanism of disease; Not observed at significant frequency in large population cohorts (gnomAD); This variant is associated with the following publications: (PMID: 25525159, 15798777, 18032745, 20633017, 33503190, 10205261, 32313033, 32461669, 24271014, 17304050)

PreventionGenetics, part of Exact Sciences
Classification: Pathogenic for TSC2-related condition. Last evaluated: 2024-06-03. Review status: no assertion criteria provided. Collection method: clinical testing. Allele origin: germline. Not counted in ClinVar's aggregate classification.
Comment: The TSC2 c.4620C>G variant is predicted to result in premature protein termination (p.Tyr1540*). This variant was reported in patients with Tuberous sclerosis (Table 1 in Qin W et al 2010. PubMed ID: 20633017; Table 2 in Tyburczy ME et al 2013. PubMed ID: 24271014). Of note, another nonsense variant affecting the same amino acid (c.4620C>A, p.Tyr1540*) has also been reported to be pathogenic for Tuberous sclerosis (HGMD database, Reyna-Fabián. 2020. PubMed ID: 32313033). This variant has not been reported in a large population database, indicating this variant is rare. Nonsense variants in TSC2 are expected to be pathogenic. This variant is interpreted as pathogenic.

Tuberous sclerosis database (TSC2)
No classification provided. Condition: TSC. Review status: no classification provided. Criteria: Tuberous Sclerosis Database Assertion Criteria 2015. Collection method: curation. Allele origin: germline. Affected: yes. Not counted in ClinVar's aggregate classification.

Literature cited by the submitters: PubMed 10205261 (cited by Labcorp Genetics (formerly Invitae), Labcorp); PubMed 17304050 (cited by Labcorp Genetics (formerly Invitae), Labcorp); PubMed 20633017 (cited by Labcorp Genetics (formerly Invitae), Labcorp); PubMed 24271014 (cited by Labcorp Genetics (formerly Invitae), Labcorp).